The following is an entry in ClinVar:

NM_001127198.5(TMC6):c.2407del (p.Gln803fs)

Gene: TMC6 (transmembrane channel like 6; minus strand). Cytogenetic location: 17q25.3.
Variant type: Deletion.
Coding change: c.2407del on transcript NM_001127198.5 (MANE Select); coding-DNA position 2407, one base deleted (C; older notation c.2407delC).
Protein change: p.Gln803fs; shifts the reading frame from glutamine 803.
Molecular consequence: frameshift variant. On other transcripts: non-coding transcript variant (4).
Genome position (GRCh38, 1-based): chr17:78,113,159, G deleted on the plus strand (C on the coding strand, the reverse complement: TMC6 is on the minus strand). VCF-style (leftmost placement, unchanged base first): chr17-78113158-TG-T. GRCh37 (hg19) VCF-style: chr17-76109239-TG-T.
Other names: c.2407del, p.Gln803fs (NM_001321185.1, NM_001374596.1, NM_001375353.1 and 2 more transcripts); c.2227del, p.Gln743fs (NM_001374593.1, NM_001374594.1); c.2407delC (NM_007267.7); short protein forms Q803fs, Q743fs.
Identifiers: ClinVar variation 659827 (VCV000659827.1), dbSNP rs1408101229, ClinGen allele CA628014138.

ClinVar aggregate classification (germline): Uncertain significance (1 of 4 stars; one submission).

Conditions:
Epidermodysplasia verruciformis, susceptibility to, 1. Identifiers: Orphanet 302, MedGen C4722564, MONDO:0100045, OMIM 226400.

Allele frequency attached by ClinVar (database versions not stated): gnomAD exomes 0.00001.

Submission:

Labcorp Genetics (formerly Invitae), Labcorp
Classification: Uncertain significance for Epidermodysplasia Verruciformis. Last evaluated: 2018-11-01. Review status: criteria provided, single submitter. Criteria: Invitae Variant Classification Sherloc (09022015). Collection method: clinical testing. Allele origin: germline.
Comment: This sequence change results in a frameshift in the TMC6 gene (p.Gln803Argfs*54). While this is not anticipated to result in nonsense mediated decay, it is expected to disrupt the last 3 amino acids of the TMC6 protein and extend the protein by an additional 51 amino acids. This variant is not present in population databases (ExAC no frequency). This variant has not been reported in the literature in individuals with TMC6-related disease. Experimental studies and prediction algorithms are not available for this variant, and the functional significance of the affected amino acid(s) is currently unknown. In summary, the available evidence is currently insufficient to determine the role of this variant in disease. Therefore, it has been classified as a Variant of Uncertain Significance.